The following is an entry in ClinVar:

ClinVar aggregate classification (germline): Likely benign. Review status: criteria provided, multiple submitters, no conflicts (2 of 4 stars). 3 submissions from 3 submitters: Likely benign (3). Last evaluated 2026-07-01.

Allele frequency attached by ClinVar (database versions not stated): gnomAD 0.00002 and 0.00003; gnomAD exomes 0.00002 and 0.00003; TOPMed 0.00003; ExAC 0.00002.
gnomAD v4.1: 40 of 1,209,460 alleles (0.0033%); highest among the groups gnomAD compares: Admixed American, 0.0044%; no homozygotes.

Submissions (3):

CeGaT Center for Human Genetics Tuebingen
Classification: Likely benign. Last evaluated: 2026-07-01. Review status: criteria provided, single submitter. Criteria: CeGaT Center For Human Genetics Tuebingen Variant Classification Criteria Version 2. Collection method: clinical testing. Allele origin: germline. Affected: yes. Observed: 1 variant allele.
Comment: NEXMIF: BP4, BS2

Labcorp Genetics (formerly Invitae), Labcorp
Classification: Likely benign. Last evaluated: 2025-11-10. Review status: criteria provided, single submitter. Criteria: Invitae Variant Classification Sherloc (09022015). Collection method: clinical testing. Allele origin: germline.

Blueprint Genetics
Classification: Likely benign. Last evaluated: 2023-03-13. Review status: criteria provided, single submitter. Criteria: ACMG Guidelines, 2015. Collection method: clinical testing. Allele origin: germline.

NM_001008537.3(NEXMIF):c.637A>C (p.Arg213=)

Gene: NEXMIF (neurite extension and migration factor; minus strand). Cytogenetic location: Xq13.3.
Variant type: single nucleotide variant.
Coding change: c.637A>C on transcript NM_001008537.3 (MANE Select); coding-DNA position 637, A replaced by C.
Protein change: p.Arg213=; no amino-acid change (arginine 213 retained).
Molecular consequence: synonymous variant.
Genome position (GRCh38, 1-based): chrX:74,743,920, T>G on the plus strand (A>C on the coding strand, the complement: NEXMIF is on the minus strand). VCF-style: chrX-74743920-T-G. GRCh37 (hg19) VCF-style: chrX-73963755-T-G.
Identifiers: ClinVar variation 772445 (VCV000772445.12), dbSNP rs767229255, ClinGen allele CA10455192.
Genomic context (GRCh38, chrX:74,743,920, plus strand): 5'-TCTGAGCCGGATCCTCCAAGTCAATGTCAGGTTTCTCAGTTTCTCGTCTGTCTCCTGCCC[T>G]TGACTTATGCAGGGGGAAGCCTAGGAGCTGGTCTGAGAGCAGCTGCTCTCCATATTTCAT-3'
Protein context (NP_001008537.1, residues 203-223): QLLGFPLHKS[Arg213=]AGDRRETEKP